The following is an entry in ClinVar:

ClinVar aggregate classification (germline): Uncertain significance. Review status: criteria provided, multiple submitters, no conflicts (2 of 4 stars). 3 submissions from 3 submitters: Uncertain significance (3). Last evaluated 2026-07-21.

Conditions:
Glycogen storage disease, type II (IOPD). Also called: Glycogen storage disease type 2; Acid maltase deficiency disease; Aglucosidase alfa; Deficiency of alpha-glucosidase; Deficiency of lysosomal alpha-glucosidase; CARDIOMEGALIA GLYCOGENICA DIFFUSA. Identifiers: Orphanet 365, MedGen C0017921, MONDO:0009290, OMIM 232300.
Cardiovascular phenotype. Identifiers: MedGen CN230736.

Allele frequency attached by ClinVar (database versions not stated): gnomAD exomes 0.00001; ExAC 0.00009; TOPMed below 0.00001.
gnomAD v4.1: 22 of 1,608,702 alleles (0.0014%); highest among the groups gnomAD compares: Non-Finnish European, 0.0016%; no homozygotes.

Submissions (3):

Ambry Genetics
Classification: Uncertain significance for Cardiovascular phenotype. Last evaluated: 2026-07-21. Review status: criteria provided, single submitter. Criteria: Ambry Variant Classification Scheme 2023. Collection method: clinical testing. Allele origin: germline.
Comment: The p.A625T variant (also known as c.1873G>A), located in coding exon 12 of the GAA gene, results from a G to A substitution at nucleotide position 1873. The alanine at codon 625 is replaced by threonine, an amino acid with similar properties. This amino acid position is conserved. In addition, this alteration is predicted to be tolerated by in silico analysis. Based on the available evidence, the clinical significance of this variant remains unclear.

Blueprint Genetics
Classification: Uncertain significance. Last evaluated: 2023-06-28. Review status: criteria provided, single submitter. Criteria: ACMG Guidelines, 2015. Collection method: clinical testing. Allele origin: germline.

Labcorp Genetics (formerly Invitae), Labcorp
Classification: Uncertain significance for Glycogen storage disease, type II. Last evaluated: 2022-07-25. Review status: criteria provided, single submitter. Criteria: Invitae Variant Classification Sherloc (09022015). Collection method: clinical testing. Allele origin: germline.
Comment: This sequence change replaces alanine, which is neutral and non-polar, with threonine, which is neutral and polar, at codon 625 of the GAA protein (p.Ala625Thr). This variant is present in population databases (rs757445420, gnomAD 0.006%). This variant has not been reported in the literature in individuals affected with GAA-related conditions. Advanced modeling of protein sequence and biophysical properties (such as structural, functional, and spatial information, amino acid conservation, physicochemical variation, residue mobility, and thermodynamic stability) performed at Invitae indicates that this missense variant is not expected to disrupt GAA protein function. In summary, the available evidence is currently insufficient to determine the role of this variant in disease. Therefore, it has been classified as a Variant of Uncertain Significance.

NM_000152.5(GAA):c.1873G>A (p.Ala625Thr)

Gene: GAA (alpha glucosidase; plus strand). Cytogenetic location: 17q25.3.
Variant type: single nucleotide variant.
Coding change: c.1873G>A on transcript NM_000152.5 (MANE Select); coding-DNA position 1873, G replaced by A.
Protein change: p.Ala625Thr; replaces alanine 625 with threonine.
Molecular consequence: missense variant.
Genome position (GRCh38, 1-based): chr17:80,112,696, G>A. VCF-style: chr17-80112696-G-A. GRCh37 (hg19) VCF-style: chr17-78086495-G-A.
Other names: c.1873G>A, p.Ala625Thr (NM_001079803.3, NM_001079804.3, NM_001406741.1 and 1 more transcripts); short protein forms A625T.
Identifiers: ClinVar variation 2047373 (VCV002047373.4), dbSNP rs757445420, ClinGen allele CA8815504.
Genomic context (GRCh38, chr17:80,112,696, plus strand): 5'-GGCCACGGCCGATACGCCGGCCACTGGACGGGGGACGTGTGGAGCTCCTGGGAGCAGCTC[G>A]CCTCCTCCGTGCCAGGTGAGCTCCTACCAGGAGGGGCTGCTCAGCAGAGTAGAGCCGGGG-3'
Protein context (NP_000143.2, residues 615-635): GDVWSSWEQL[Ala625Thr]SSVPEILQFN